The following is an entry in ClinVar:

NM_000543.5(SMPD1):c.164T>A (p.Leu55His)

Gene: SMPD1 (sphingomyelin phosphodiesterase 1; plus strand). Cytogenetic location: 11p15.4.
Variant type: single nucleotide variant.
Coding change: c.164T>A on transcript NM_000543.5 (MANE Select); coding-DNA position 164, T replaced by A.
Protein change: p.Leu55His; replaces leucine 55 with histidine.
Molecular consequence: missense variant. On other transcripts: 5 prime UTR variant (1), non-coding transcript variant (2).
Genome position (GRCh38, 1-based): chr11:6,390,762, T>A. VCF-style: chr11-6390762-T-A. GRCh37 (hg19) VCF-style: chr11-6411992-T-A.
Other names: c.164T>A, p.Leu55His (NM_001007593.3, NM_001318087.2, NM_001365135.2); c.-798T>A (NM_001318088.2); short protein forms L55H.
Identifiers: ClinVar variation 1934237 (VCV001934237.2), dbSNP rs2493800112, ClinGen allele CA379367701.

ClinVar aggregate classification (germline): Uncertain significance (1 of 4 stars; one submission).

Conditions:
Niemann-Pick disease, type B. Also called: Chronic Visceral ASMD (Niemann-Pick Disease Type B; NPD-B). Identifiers: Orphanet 77293, MedGen C0268243, MONDO:0011871, OMIM 607616. Disease mechanism: loss of function.
Niemann-Pick disease, type A. Also called: Infantile Neurovisceral ASMD (Niemann-Pick Disease Type A; NPD-A); SPHINGOMYELIN LIPIDOSIS; SPHINGOMYELINASE DEFICIENCY. Identifiers: Orphanet 77292, MedGen C0268242, MONDO:0009756, OMIM 257200. Disease mechanism: loss of function.

Submission:

Labcorp Genetics (formerly Invitae), Labcorp
Classification: Uncertain significance for Niemann-Pick disease, type B; Niemann-Pick disease, type A. Last evaluated: 2021-09-01. Review status: criteria provided, single submitter. Criteria: Invitae Variant Classification Sherloc (09022015). Collection method: clinical testing. Allele origin: germline.
Comment: This sequence change replaces leucine with histidine at codon 55 of the SMPD1 protein (p.Leu55His). The leucine residue is moderately conserved and there is a moderate physicochemical difference between leucine and histidine. This variant is not present in population databases (ExAC no frequency). This variant has not been reported in the literature in individuals affected with SMPD1-related conditions. Advanced modeling of protein sequence and biophysical properties (such as structural, functional, and spatial information, amino acid conservation, physicochemical variation, residue mobility, and thermodynamic stability) performed at Invitae indicates that this missense variant is not expected to disrupt SMPD1 protein function. In summary, the available evidence is currently insufficient to determine the role of this variant in disease. Therefore, it has been classified as a Variant of Uncertain Significance.